The following is an entry in ClinVar:

ClinVar aggregate classification (germline): Uncertain significance (1 of 4 stars; one submission).

Submission:

Labcorp Genetics (formerly Invitae), Labcorp
Classification: Uncertain significance. Last evaluated: 2022-10-10. Review status: criteria provided, single submitter. Criteria: Invitae Variant Classification Sherloc (09022015). Collection method: clinical testing. Allele origin: germline.
Comment: In summary, the available evidence is currently insufficient to determine the role of this variant in disease. Therefore, it has been classified as a Variant of Uncertain Significance. Algorithms developed to predict the effect of missense changes on protein structure and function output the following: SIFT: "Tolerated"; PolyPhen-2: "Benign"; Align-GVGD: "Class C0". The serine amino acid residue is found in multiple mammalian species, which suggests that this missense change does not adversely affect protein function. This variant has not been reported in the literature in individuals affected with IARS2-related conditions. This variant is not present in population databases (gnomAD no frequency). This sequence change replaces asparagine, which is neutral and polar, with serine, which is neutral and polar, at codon 931 of the IARS2 protein (p.Asn931Ser).

NM_018060.4(IARS2):c.2792A>G (p.Asn931Ser)

Gene: IARS2 (isoleucyl-tRNA synthetase 2, mitochondrial; plus strand). Cytogenetic location: 1q41.
Variant type: single nucleotide variant.
Coding change: c.2792A>G on transcript NM_018060.4 (MANE Select); coding-DNA position 2792, A replaced by G.
Protein change: p.Asn931Ser; replaces asparagine 931 with serine.
Molecular consequence: missense variant.
Genome position (GRCh38, 1-based): chr1:220,145,549, A>G. VCF-style: chr1-220145549-A-G. GRCh37 (hg19) VCF-style: chr1-220318891-A-G.
Other names: short protein forms N931S.
Identifiers: ClinVar variation 1993140 (VCV001993140.4), dbSNP rs1571866674, ClinGen allele CA344618335.